The following is an entry in ClinVar:

ClinVar aggregate classification (germline): Uncertain significance (1 of 4 stars; one submission).

Conditions:
NLRP1-related disorder. Also called: NLRP1-related condition.

Submission:

PreventionGenetics, part of Exact Sciences
Classification: Uncertain significance for NLRP1-related condition. Last evaluated: 2023-05-24. Review status: criteria provided, single submitter. Criteria: ACMG Guidelines, 2015. Collection method: clinical testing. Allele origin: germline.
Comment: The NLRP1 c.1823G>C variant is predicted to result in the amino acid substitution p.Gly608Ala. To our knowledge, this variant has not been reported in the literature or in a large population database, indicating this variant is rare. At this time, the clinical significance of this variant is uncertain due to the absence of conclusive functional and genetic evidence.

NM_033004.4(NLRP1):c.1823G>C (p.Gly608Ala)

Gene: NLRP1 (NLR family pyrin domain containing 1; minus strand). Cytogenetic location: 17p13.2.
Variant type: single nucleotide variant.
Coding change: c.1823G>C on transcript NM_033004.4 (MANE Select); coding-DNA position 1823, G replaced by C.
Protein change: p.Gly608Ala; replaces glycine 608 with alanine.
Molecular consequence: missense variant.
Genome position (GRCh38, 1-based): chr17:5,558,873, C>G on the plus strand (G>C on the coding strand, the complement: NLRP1 is on the minus strand). VCF-style: chr17-5558873-C-G. GRCh37 (hg19) VCF-style: chr17-5462193-C-G.
Other names: c.1823G>C, p.Gly608Ala (NM_001033053.3, NM_014922.5, NM_033006.4 and 1 more transcripts); short protein forms G608A.
Identifiers: ClinVar variation 2632808 (VCV002632808.1), dbSNP rs2507937359, ClinGen allele CA397384426.